The following is an entry in ClinVar:

NM_000516.7(GNAS):c.433-2A>C

Gene: GNAS (GNAS complex locus; plus strand). Cytogenetic location: 20q13.32.
Variant type: single nucleotide variant.
Coding change: c.433-2A>C on transcript NM_000516.7 (MANE Select); the canonical splice acceptor site of the intron before coding-DNA position 433, A replaced by C.
Molecular consequence: splice acceptor variant.
Genome position (GRCh38, 1-based): chr20:58,905,381, A>C. VCF-style: chr20-58905381-A-C. GRCh37 (hg19) VCF-style: chr20-57480436-A-C.
Other names: c.*339-2A>C (NM_016592.5); c.337-2A>C (NM_001410912.1); c.256-2A>C (NM_001309861.2, NM_001309840.2); c.*294-2A>C (NM_001077490.3); c.2362-2A>C (NM_080425.4); c.2317-2A>C (NM_001410913.1); c.436-2A>C (NM_001077488.5); c.391-2A>C (NM_080426.4); and 1 more.
Identifiers: ClinVar variation 3767107 (VCV003767107.3).

ClinVar aggregate classification (germline): Pathogenic/Likely pathogenic. Review status: criteria provided, multiple submitters, no conflicts (2 of 4 stars). 2 submissions from 2 submitters: Pathogenic (1); Likely pathogenic (1). Last evaluated 2025-12-02.

Conditions:
Progressive osseous heteroplasia (POH). Also called: ECTOPIC OSSIFICATION, FAMILIAL; Osseus Heteroplasia, Progressive; Progressive Osseus Heteroplasia (POH); Osteoma cutis. Identifiers: Orphanet 2762, MedGen C0334041, MONDO:0008153, OMIM 166350, HP:0025027.
McCune-Albright syndrome (MAS). Also called: ALBRIGHT SYNDROME; McCune-Albright syndrome, somatic, mosaic; Fibrous Dysplasia / McCune-Albright Syndrome; Albright's Syndrome; Albright's disease. Identifiers: Orphanet 562, MedGen C0242292, MONDO:0018919, OMIM 174800.
Pseudohypoparathyroidism type 1C (PHP1C). Also called: PSEUDOHYPOPARATHYROIDISM, TYPE IC; PHP IC; Pseudohypoparathyroidism Ic (PHP-Ic). Identifiers: Orphanet 79444, MedGen C2932716, MONDO:0012911, OMIM 612462.
Pseudohypoparathyroidism type 1B (PHP1B). Also called: PHP IB; Pseudohypoparathyroidism Ib (PHP-Ib); Pseudohypoparathyroidism Type IB. Identifiers: Orphanet 94089, MedGen C1864100, MONDO:0011301, OMIM 603233.
Pseudopseudohypoparathyroidism (PPHP). Also called: ALBRIGHT HEREDITARY OSTEODYSTROPHY WITHOUT MULTIPLE HORMONE RESISTANCE; Pseudopseudohypoparathyroidism (PPHP). Identifiers: Orphanet 79445, MedGen C0033835, MONDO:0012912, OMIM 612463.
Pituitary adenoma 3, multiple types. Also called: PITUITARY ADENOMA 3, ACTH-SECRETING, SOMATIC; PITUITARY ADENOMA 3, GROWTH HORMONE-SECRETING, SOMATIC. Identifiers: MedGen C4540135, MONDO:0054665, OMIM 617686.
ACTH-independent macronodular adrenal hyperplasia 1 (AIMAH1). Also called: ACTH-INDEPENDENT MACRONODULAR ADRENOCORTICAL HYPERPLASIA; ACTH-independent macronodular adrenal hyperplasia, somatic; CORTICOTROPIN-INDEPENDENT MACRONODULAR ADRENAL HYPERPLASIA; CUSHING SYNDROME, ADRENAL, DUE TO AIMAH; ADRENOCORTICOTROPIC HORMONE-INDEPENDENT MACRONODULAR ADRENAL HYPERPLASIA. Identifiers: MedGen C1857451, MONDO:0020735, OMIM 219080.
Pseudohypoparathyroidism type I A (PHP1A). Also called: ALBRIGHT HEREDITARY OSTEODYSTROPHY WITH MULTIPLE HORMONE RESISTANCE; PHP IA; Pseudohypoparathyroidism type 1A; Pseudohypoparathyroidism Type IA; Pseudohypoparathyroidism Ia (PHP-Ia). Identifiers: Orphanet 79443, MedGen C3494506, MONDO:0007078, OMIM 103580.

Submissions (2):

Labcorp Genetics (formerly Invitae), Labcorp
Classification: Likely pathogenic. Last evaluated: 2025-12-02. Review status: criteria provided, single submitter. Criteria: Invitae Variant Classification Sherloc (09022015). Collection method: clinical testing. Allele origin: germline.
Comment: This sequence change affects an acceptor splice site in intron 5 of the GNAS gene. It is expected to disrupt RNA splicing. Variants that disrupt the donor or acceptor splice site typically lead to a loss of protein function (PMID: 16199547), and loss-of-function variants in GNAS are known to be pathogenic (PMID: 11784876, 23281139, 23796510, 25802881). This variant is not present in population databases (gnomAD no frequency). Disruption of this splice site has been observed in individual(s) with clinical features of GNAS loss of function (PMID: 31886927). ClinVar contains an entry for this variant (Variation ID: 3767107). Algorithms developed to predict the effect of sequence changes on RNA splicing suggest that this variant may disrupt the consensus splice site. In summary, the currently available evidence indicates that the variant is pathogenic, but additional data are needed to prove that conclusively. Therefore, this variant has been classified as Likely Pathogenic.

Juno Genomics, Hangzhou Juno Genomics, Inc
Classification: Pathogenic for ACTH-independent macronodular adrenal hyperplasia 1; McCune-Albright syndrome; Progressive osseous heteroplasia; Pituitary adenoma 3, multiple types; Pseudohypoparathyroidism type I A; Pseudohypoparathyroidism type 1B; Pseudohypoparathyroidism type 1C; Pseudopseudohypoparathyroidism. Review status: criteria provided, single submitter. Criteria: ACMG Guidelines, 2015. Collection method: clinical testing. Allele origin: germline. Affected: yes.
Comment: Absent from controls (or at extremely low frequency if recessive) in Genome Aggregation Database, Exome Sequencing Project, 1000 Genomes Project, or Exome Aggregation Consortium.;De novo (both maternity and paternity confirmed) in a patient with the disease and no family history.;Null variant in a gene where loss of function (LOF) is a known mechanism of disease.

Literature cited by the submitters: PubMed 16199547 (cited by Labcorp Genetics (formerly Invitae), Labcorp); PubMed 11784876 (cited by Labcorp Genetics (formerly Invitae), Labcorp); PubMed 23281139 (cited by Labcorp Genetics (formerly Invitae), Labcorp); PubMed 23796510 (cited by Labcorp Genetics (formerly Invitae), Labcorp); PubMed 25802881 (cited by Labcorp Genetics (formerly Invitae), Labcorp); PubMed 31886927 (cited by Labcorp Genetics (formerly Invitae), Labcorp).